The following is an entry in ClinVar:

NC_000016.9:g.(?_169105)_(193701_?)del

Gene: NPRL3 (NPR3 like, GATOR1 complex subunit; minus strand). Cytogenetic location: 16p13.3.
Variant type: Deletion.
Identifiers: ClinVar variation 3243548 (VCV003243548.1).

ClinVar aggregate classification (germline): Pathogenic (1 of 4 stars; one submission).

Conditions:
Epilepsy, familial focal, with variable foci 3 (FFEVF3). Identifiers: MedGen C4310708, MONDO:0014925, OMIM 617118.

Submission:

Labcorp Genetics (formerly Invitae), Labcorp
Classification: Pathogenic for Epilepsy, familial focal, with variable foci 3. Last evaluated: 2023-03-25. Review status: criteria provided, single submitter. Criteria: Invitae Variant Classification Sherloc (09022015). Collection method: clinical testing. Allele origin: unknown.
Comment: For these reasons, this variant has been classified as Pathogenic. This variant has not been reported in the literature in individuals affected with NPRL3-related conditions. This variant is a gross deletion of the genomic region encompassing exon(s) 1-4 of the NPRL3 gene, which includes the initiator codon. This deletion extends beyond the assayed region for this gene and therefore may encompass additional genes. It is expected to result in an absent or disrupted protein product. Loss-of-function variants in NPRL3 are known to be pathogenic (PMID: 26285051, 26505888).

Literature cited by the submitters: PubMed 26285051; PubMed 26505888.